The following is an entry in ClinVar:

ClinVar aggregate classification (germline): Uncertain significance (1 of 4 stars; one submission).

Conditions:
Dilated cardiomyopathy 1DD (CMD1DD). Identifiers: Orphanet 154, MedGen C2750995, MONDO:0013168, OMIM 613172.

Submission:

Labcorp Genetics (formerly Invitae), Labcorp
Classification: Uncertain significance for Dilated cardiomyopathy 1DD. Last evaluated: 2025-11-01. Review status: criteria provided, single submitter. Criteria: Invitae Variant Classification Sherloc (09022015). Collection method: clinical testing. Allele origin: germline.
Comment: This sequence change replaces serine, which is neutral and polar, with isoleucine, which is neutral and non-polar, at codon 14 of the RBM20 protein (p.Ser14Ile). This variant is not present in population databases (gnomAD no frequency). This variant has not been reported in the literature in individuals affected with RBM20-related conditions. Invitae Evidence Modeling of protein sequence and biophysical properties (such as structural, functional, and spatial information, amino acid conservation, physicochemical variation, residue mobility, and thermodynamic stability) indicates that this missense variant is not expected to disrupt RBM20 protein function with a negative predictive value of 95%. In summary, the available evidence is currently insufficient to determine the role of this variant in disease. Therefore, it has been classified as a Variant of Uncertain Significance.

NM_001134363.3(RBM20):c.41G>T (p.Ser14Ile)

Gene: RBM20 (RNA binding motif protein 20; plus strand). Cytogenetic location: 10q25.2.
Variant type: single nucleotide variant.
Coding change: c.41G>T on transcript NM_001134363.3 (MANE Select); coding-DNA position 41, G replaced by T.
Protein change: p.Ser14Ile; replaces serine 14 with isoleucine.
Molecular consequence: missense variant.
Genome position (GRCh38, 1-based): chr10:110,644,495, G>T. VCF-style: chr10-110644495-G-T. GRCh37 (hg19) VCF-style: chr10-112404253-G-T.
Other names: short protein forms S14I.
Identifiers: ClinVar variation 4802641 (VCV004802641.1).
Genomic context (GRCh38, chr10:110,644,495, plus strand): 5'-CCGGGCGGGTCTCGCCCCGCATGGTGCTGGCAGCAGCCATGAGCCAGGACGCGGACCCCA[G>T]CGGTCCGGAGCAGCCGGACAGAGTTGCCTGCAGTGTGCCTGGTGCCCGGGCGTCCCCGGC-3'
Protein context (NP_001127835.2, residues 4-24): AAAMSQDADP[Ser14Ile]GPEQPDRVAC